The following is an entry in ClinVar:

ClinVar aggregate classification (germline): Likely benign. Review status: criteria provided, single submitter (1 of 4 stars). 2 submissions from 2 submitters: Likely benign (1). 1 of the submissions does not count toward it. Last evaluated 2025-12-21.

Conditions:
Bethlem myopathy 1A. Also called: Bethlem myopathy 1; MYOPATHY, BENIGN CONGENITAL, WITH CONTRACTURES; Bethlem Muscular Dystrophy. Identifiers: Orphanet 610, MedGen CN029274, MONDO:0024530, OMIM 158810.
Ullrich congenital muscular dystrophy 1A. Also called: Ullrich congenital muscular dystrophy 1; Intermediate COL6-RD. Identifiers: Orphanet 75840, MedGen C0410179, MONDO:0009681, OMIM 254090.
COL6A1-related disorder. Also called: COL6A1-related condition.

Submissions (2):

Labcorp Genetics (formerly Invitae), Labcorp
Classification: Likely benign for Bethlem myopathy 1A. Last evaluated: 2025-12-21. Review status: criteria provided, single submitter. Criteria: Invitae Variant Classification Sherloc (09022015). Collection method: clinical testing. Allele origin: germline.

PreventionGenetics, part of Exact Sciences
Classification: Likely benign for COL6A1-related condition. Last evaluated: 2019-03-27. Review status: no assertion criteria provided. Collection method: clinical testing. Allele origin: germline. Not counted in ClinVar's aggregate classification.
Comment: This variant is classified as likely benign based on ACMG/AMP sequence variant interpretation guidelines (Richards et al. 2015 PMID: 25741868, with internal and published modifications).

NM_001848.3(COL6A1):c.1002+6_1002+88del

Gene: COL6A1 (collagen type VI alpha 1 chain; plus strand). Cytogenetic location: 21q22.3.
Variant type: Deletion.
Coding change: c.1002+6_1002+88del on transcript NM_001848.3 (MANE Select); bases 6 to 88 of the intron after coding-DNA position 1002, 83 bases deleted.
Molecular consequence: splice donor variant.
Genome position (GRCh38, 1-based): chr21:45,990,428-45,990,510, 83 bases deleted. GRCh37 (hg19): chr21:47,410,342-47,410,424.
Other names: c.1002+6_1002+88delTGGGGGGAGATAGGATGGACGGGGAGGGACGAGGAGGAATGGGGCGAGATGGGGAGGGACGGAGTGGACGGCGTGAAGGTGAC (NM_001848.2).
Identifiers: ClinVar variation 543025 (VCV000543025.16), dbSNP rs1556425727, ClinGen allele CA10069951.